The following is an entry in ClinVar:

ClinVar aggregate classification (germline): Uncertain significance (1 of 4 stars; one submission).

Conditions:
Hereditary cancer-predisposing syndrome. Also called: Hereditary neoplastic syndrome; Tumor predisposition; Hereditary Cancer Syndrome; Neoplastic Syndromes, Hereditary. Identifiers: Orphanet 140162, MedGen C0027672, MeSH D009386, MONDO:0015356.

Submission:

Ambry Genetics
Classification: Uncertain significance for Hereditary cancer-predisposing syndrome. Last evaluated: 2023-06-24. Review status: criteria provided, single submitter. Criteria: Ambry Variant Classification Scheme 2023. Collection method: clinical testing. Allele origin: germline.
Comment: The p.L550V variant (also known as c.1648C>G), located in coding exon 11 of the FLCN gene, results from a C to G substitution at nucleotide position 1648. The leucine at codon 550 is replaced by valine, an amino acid with highly similar properties. This amino acid position is conserved. In addition, this alteration is predicted to be deleterious by in silico analysis. Since supporting evidence is limited at this time, the clinical significance of this alteration remains unclear.

NM_144997.7(FLCN):c.1648C>G (p.Leu550Val)

Gene: FLCN (folliculin; minus strand). Cytogenetic location: 17p11.2.
Variant type: single nucleotide variant.
Coding change: c.1648C>G on transcript NM_144997.7 (MANE Select); coding-DNA position 1648, C replaced by G.
Protein change: p.Leu550Val; replaces leucine 550 with valine.
Molecular consequence: missense variant.
Genome position (GRCh38, 1-based): chr17:17,213,747, G>C on the plus strand (C>G on the coding strand, the complement: FLCN is on the minus strand). VCF-style: chr17-17213747-G-C. GRCh37 (hg19) VCF-style: chr17-17117061-G-C.
Other names: c.1702C>G, p.Leu568Val (NM_001353229.2); c.1648C>G, p.Leu550Val (NM_001353230.2, NM_001353231.2); short protein forms L550V, L568V.
Identifiers: ClinVar variation 2586492 (VCV002586492.2), dbSNP rs2144808913, ClinGen allele CA398529941.